The following is an entry in ClinVar:

ClinVar aggregate classification (germline): Uncertain significance (1 of 4 stars; one submission).

gnomAD v4.1: 1 of 1,614,042 alleles (0.000062%); highest among the groups gnomAD compares: East Asian, 0.0022%; no homozygotes.

Submission:

CeGaT Center for Human Genetics Tuebingen
Classification: Uncertain significance. Last evaluated: 2026-01-01. Review status: criteria provided, single submitter. Criteria: CeGaT Center For Human Genetics Tuebingen Variant Classification Criteria Version 2. Collection method: clinical testing. Allele origin: germline. Affected: yes. Observed: 1 variant allele.
Comment: FAT2: PM2, PP2, BP4

NM_001447.3(FAT2):c.10855G>T (p.Val3619Leu)

Genes: FAT2 (FAT atypical cadherin 2; minus strand), SLC36A1 (solute carrier family 36 member 1; plus strand). Cytogenetic location: 5q33.1.
Variant type: single nucleotide variant.
Coding change: c.10855G>T on transcript NM_001447.3 (MANE Select); coding-DNA position 10855, G replaced by T.
Protein change: p.Val3619Leu; replaces valine 3619 with leucine.
Molecular consequence: missense variant.
Genome position (GRCh38, 1-based): chr5:151,521,738, C>A on the plus strand (G>T on the coding strand, the complement: FAT2 is on the minus strand). VCF-style: chr5-151521738-C-A. GRCh37 (hg19) VCF-style: chr5-150901299-C-A.
Other names: short protein forms V3619L.
Identifiers: ClinVar variation 4822901 (VCV004822901.4).